The following is an entry in ClinVar:

NM_012463.4(ATP6V0A2):c.1039-14T>C

Gene: ATP6V0A2 (ATPase H+ transporting V0 subunit a2; plus strand). Cytogenetic location: 12q24.31.
Variant type: single nucleotide variant.
Coding change: c.1039-14T>C on transcript NM_012463.4 (MANE Select); 14 bases into the intron before coding-DNA position 1039, T replaced by C.
Molecular consequence: intron variant.
Genome position (GRCh38, 1-based): chr12:123,743,771, T>C. VCF-style: chr12-123743771-T-C. GRCh37 (hg19) VCF-style: chr12-124228318-T-C.
Identifiers: ClinVar variation 307585 (VCV000307585.13), dbSNP rs115569365, ClinGen allele CA6861819.
Genomic context (GRCh38, chr12:123,743,771, plus strand): 5'-CCAGATTCGTTGAATATGGATAGTTATTTTCTTCTTGGATAGTAATTTTTTATCTTTCCT[T>C]GTTTATGTGGAAGAGAGAGAGTGGTGCTACAATCCCCTCATTCATGAATATAATCCCCAC-3'

ClinVar aggregate classification (germline): Benign. Review status: criteria provided, multiple submitters, no conflicts (2 of 4 stars). 4 submissions from 4 submitters: Benign (4). Last evaluated 2026-02-02.

Conditions:
Cutis laxa with osteodystrophy (ARCL2A). Also called: Debré-Type Cutis Laxa; CUTIS LAXA WITH CONGENITAL DISORDER OF GLYCOSYLATION; CUTIS LAXA, AUTOSOMAL RECESSIVE, TYPE IIA; CUTIS LAXA WITH BONE DYSTROPHY; CUTIS LAXA WITH GROWTH AND DEVELOPMENTAL DELAY; CUTIS LAXA WITH JOINT LAXITY AND RETARDED DEVELOPMENT. Identifiers: Orphanet 357058, MedGen C0268355, MONDO:0018163, OMIM 219200. Disease mechanism: loss of function.
ALG9 congenital disorder of glycosylation (CDG1L). Also called: CDG Il; CONGENITAL DISORDER OF GLYCOSYLATION, TYPE Il; ALG9-CDG. Identifiers: Orphanet 79328, MedGen C2931006, MONDO:0012117, OMIM 608776.

Allele frequency attached by ClinVar (database versions not stated): gnomAD exomes 0.00129 and 0.00318; ExAC 0.00388; gnomAD 0.01218 and 0.01308; ESP Exome Variant Server 0.01315; TOPMed 0.01350; 1000 Genomes Project 0.01498; 1000 Genomes Project 30x 0.01608.
gnomAD v4.1: 3,802 of 1,613,862 alleles (0.24%); highest among the groups gnomAD compares: African/African-American, 4.2%; 66 homozygotes.

Submissions (4):

Labcorp Genetics (formerly Invitae), Labcorp
Classification: Benign for ALG9 congenital disorder of glycosylation. Last evaluated: 2026-02-02. Review status: criteria provided, single submitter. Criteria: Invitae Variant Classification Sherloc (09022015). Collection method: clinical testing. Allele origin: germline.

Illumina Laboratory Services, Illumina
Classification: Benign for Cutis laxa with osteodystrophy. Last evaluated: 2018-01-12. Review status: criteria provided, single submitter. Criteria: ICSL Variant Classification Criteria 13 December 2019. Collection method: clinical testing. Allele origin: germline.
Comment: This variant was observed in the ICSL laboratory as part of a predisposition screen in an ostensibly healthy population. It had not been previously curated by ICSL or reported in the Human Gene Mutation Database (HGMD: prior to June 1st, 2018), and was therefore a candidate for classification through an automated scoring system. Utilizing variant allele frequency, disease prevalence and penetrance estimates, and inheritance mode, an automated score was calculated to assess if this variant is too frequent to cause the disease. Based on the score and internal cut-off values, a variant classified as benign is not then subjected to further curation. The score for this variant resulted in a classification of benign for this disease.

GeneDx
Classification: Benign. Last evaluated: 2016-04-27. Review status: criteria provided, single submitter. Criteria: GeneDx Variant Classification (06012015). Collection method: clinical testing. Allele origin: germline. Affected: yes.
Comment: This variant is considered likely benign or benign based on one or more of the following criteria: it is a conservative change, it occurs at a poorly conserved position in the protein, it is predicted to be benign by multiple in silico algorithms, and/or has population frequency not consistent with disease.

Breakthrough Genomics
Classification: Benign. Review status: criteria provided, single submitter. Criteria: ACMG Guidelines, 2015. Collection method: not provided. Allele origin: germline. Inheritance: Autosomal recessive inheritance. Affected: yes.